The following is an entry in ClinVar:

NM_000535.7(PMS2):c.746A>G (p.Asp249Gly)

Gene: PMS2 (PMS1 homolog 2, mismatch repair system component; minus strand). Cytogenetic location: 7p22.1.
Variant type: single nucleotide variant.
Coding change: c.746A>G on transcript NM_000535.7 (MANE Select); coding-DNA position 746, A replaced by G.
Protein change: p.Asp249Gly; replaces aspartic acid 249 with glycine.
Molecular consequence: missense variant. On other transcripts: 5 prime UTR variant (2), non-coding transcript variant (1), intron variant (3).
Genome position (GRCh38, 1-based): chr7:5,997,383, T>C on the plus strand (A>G on the coding strand, the complement: PMS2 is on the minus strand). VCF-style: chr7-5997383-T-C. GRCh37 (hg19) VCF-style: chr7-6037014-T-C.
Other names: c.428A>G, p.Asp143Gly (NM_001406883.1, NM_001322007.2, NM_001322008.2 and 4 more transcripts); c.578A>G, p.Asp193Gly (NM_001406884.1, NM_001406874.1); c.410A>G, p.Asp137Gly (NM_001406885.1); c.341A>G, p.Asp114Gly (NM_001406887.1, NM_001406888.1, NM_001406889.1 and 19 more transcripts); c.437A>G, p.Asp146Gly (NM_001406879.1, NM_001406880.1, NM_001406881.1 and 6 more transcripts); c.746A>G, p.Asp249Gly (NM_001322006.2, NM_001322014.2, NM_001406870.1 and 3 more transcripts); c.-188A>G (NM_001322011.2, NM_001322012.2); c.233A>G, p.Asp78Gly (NM_001406904.1, NM_001406905.1); and 7 more; short protein forms D114G, D143G, D146G, D257G, D311G, D137G, D249G, D58G.
Identifiers: ClinVar variation 4843000 (VCV004843000.1).
Genomic context (GRCh38, chr7:5,997,383, plus strand): 5'-TACTAAAAAAGATTATGCAGAGCATCGGAACAGCTCAAACCGTACTCTTCACACACGGAG[T>C]CACTAGGGGGCAGCTGAACAAAAGGAATGAGGCTTTGCAACTGAAAAAAAAAAAAAAAAA-3'
Protein context (NP_000526.2, residues 239-259): LIPFVQLPPS[Asp249Gly]SVCEEYGLSC

ClinVar aggregate classification (germline): Uncertain significance (1 of 4 stars; one submission).

Conditions:
Hereditary cancer-predisposing syndrome. Also called: Neoplastic Syndromes, Hereditary; Tumor predisposition; Hereditary Cancer Syndrome; Hereditary neoplastic syndrome. Identifiers: Orphanet 140162, MedGen C0027672, MeSH D009386, MONDO:0015356.

Submission:

Ambry Genetics
Classification: Uncertain significance for Hereditary cancer-predisposing syndrome. Last evaluated: 2026-01-13. Review status: criteria provided, single submitter. Criteria: Ambry Variant Classification Scheme 2023. Collection method: clinical testing. Allele origin: germline.
Comment: The p.D249G variant (also known as c.746A>G), located in coding exon 7 of the PMS2 gene, results from an A to G substitution at nucleotide position 746. The aspartic acid at codon 249 is replaced by glycine, an amino acid with similar properties. This amino acid position is conserved. In addition, the in silico prediction for this alteration is inconclusive. Based on the available evidence, the clinical significance of this variant remains unclear.